The following is an entry in ClinVar:

NM_003334.4(UBA1):c.606T>G (p.Phe202Leu)

Gene: UBA1 (ubiquitin like modifier activating enzyme 1; plus strand). Cytogenetic location: Xp11.3.
Variant type: single nucleotide variant.
Coding change: c.606T>G on transcript NM_003334.4 (MANE Select); coding-DNA position 606, T replaced by G.
Protein change: p.Phe202Leu; replaces phenylalanine 202 with leucine.
Molecular consequence: missense variant.
Genome position (GRCh38, 1-based): chrX:47,201,294, T>G. VCF-style: chrX-47201294-T-G. GRCh37 (hg19) VCF-style: chrX-47060693-T-G.
Other names: p.Phe202Leu; c.606T>G, p.Phe202Leu (NM_153280.3); short protein forms F202L.
Identifiers: ClinVar variation 1320333 (VCV001320333.5), dbSNP rs1180835791, ClinGen allele CA412792499.

ClinVar aggregate classification (germline): Uncertain significance. Review status: criteria provided, multiple submitters, no conflicts (2 of 4 stars). 3 submissions from 3 submitters: Uncertain significance (3). Last evaluated 2025-05-27.

Conditions:
Infantile-onset X-linked spinal muscular atrophy. Also called: Spinal muscular atrophy, X-linked 2; ARTHROGRYPOSIS, X-LINKED, TYPE I; SPINAL MUSCULAR ATROPHY, X-LINKED LETHAL INFANTILE; AMC, DISTAL, X-LINKED; Spinal Muscular Atrophy, X-Linked Infantile. Identifiers: Orphanet 1145, MedGen C1844934, MONDO:0010532, OMIM 301830.

Allele frequency attached by ClinVar (database versions not stated): gnomAD 0.00001; gnomAD exomes 0.00001; TOPMed 0.00002.
gnomAD v4.1: 6 of 1,207,127 alleles (0.0005%); highest among the groups gnomAD compares: Non-Finnish European, 0.00056%; no homozygotes.

Submissions (3):

Mayo Clinic Laboratories, Mayo Clinic
Classification: Uncertain significance. Last evaluated: 2025-05-27. Review status: criteria provided, single submitter. Criteria: ACMG Guidelines, 2015. Collection method: clinical testing. Allele origin: germline. Observed: 1 variant allele.

Labcorp Genetics (formerly Invitae), Labcorp
Classification: Uncertain significance for Infantile-onset X-linked spinal muscular atrophy. Last evaluated: 2024-09-10. Review status: criteria provided, single submitter. Criteria: Invitae Variant Classification Sherloc (09022015). Collection method: clinical testing. Allele origin: germline.
Comment: This sequence change replaces phenylalanine, which is neutral and non-polar, with leucine, which is neutral and non-polar, at codon 202 of the UBA1 protein (p.Phe202Leu). This variant is not present in population databases (gnomAD no frequency). This variant has not been reported in the literature in individuals affected with UBA1-related conditions. ClinVar contains an entry for this variant (Variation ID: 1320333). An algorithm developed to predict the effect of missense changes on protein structure and function (PolyPhen-2) suggests that this variant is likely to be disruptive. In summary, the available evidence is currently insufficient to determine the role of this variant in disease. Therefore, it has been classified as a Variant of Uncertain Significance.

GeneDx
Classification: Uncertain significance. Last evaluated: 2021-05-11. Review status: criteria provided, single submitter. Criteria: GeneDx Variant Classification Process June 2021. Collection method: clinical testing. Allele origin: germline. Affected: yes.
Comment: Not observed in large population cohorts (Lek et al., 2016); Missense variants in this gene are often considered pathogenic (Stenson et al., 2014); In silico analysis supports that this missense variant has a deleterious effect on protein structure/function; Has not been previously published as pathogenic or benign to our knowledge